The following is an entry in ClinVar:

NM_000039.3(APOA1):c.259C>A (p.Gln87Lys)

Genes: APOA1 (apolipoprotein A1; minus strand), APOA1-AS (APOA1 antisense RNA; plus strand). Cytogenetic location: 11q23.3.
Variant type: single nucleotide variant.
Coding change: c.259C>A on transcript NM_000039.3 (MANE Select); coding-DNA position 259, C replaced by A.
Protein change: p.Gln87Lys; replaces glutamine 87 with lysine.
Molecular consequence: missense variant. On other transcripts: 5 prime UTR variant (3).
Genome position (GRCh38, 1-based): chr11:116,836,353, G>T on the plus strand (C>A on the coding strand, the complement: APOA1 is on the minus strand). VCF-style: chr11-116836353-G-T. GRCh37 (hg19) VCF-style: chr11-116707069-G-T.
Other names: c.259C>A, p.Gln87Lys (NM_001318017.2, NM_001318018.2, NM_001425090.1 and 1 more transcripts); c.-69C>A (NM_001318021.2, NM_001425091.1, NM_001425092.1); short protein forms Q87K.
Identifiers: ClinVar variation 3414148 (VCV003414148.1).

ClinVar aggregate classification (germline): Uncertain significance (1 of 4 stars; one submission).

Conditions:
Cardiovascular phenotype. Identifiers: MedGen CN230736.

gnomAD v4.1: 3 of 1,614,038 alleles (0.00019%); highest among the groups gnomAD compares: African/African-American, 0.0027%; no homozygotes.

Submission:

Ambry Genetics
Classification: Uncertain significance for Cardiovascular phenotype. Last evaluated: 2024-07-24. Review status: criteria provided, single submitter. Criteria: Ambry Variant Classification Scheme 2023. Collection method: clinical testing. Allele origin: germline.
Comment: The p.Q87K variant (also known as c.259C>A), located in coding exon 3 of the APOA1 gene, results from a C to A substitution at nucleotide position 259. The glutamine at codon 87 is replaced by lysine, an amino acid with similar properties. This amino acid position is conserved. In addition, this alteration is predicted to be tolerated by in silico analysis. Based on the available evidence, the clinical significance of this variant remains unclear.